The following is an entry in ClinVar:

NM_015425.6(POLR1A):c.2164C>T (p.Arg722Ter)

Gene: POLR1A (RNA polymerase I subunit A; minus strand). Cytogenetic location: 2p11.2.
Variant type: single nucleotide variant.
Coding change: c.2164C>T on transcript NM_015425.6 (MANE Select); coding-DNA position 2164, C replaced by T.
Protein change: p.Arg722Ter; replaces arginine 722 with a stop codon.
Molecular consequence: nonsense.
Genome position (GRCh38, 1-based): chr2:86,054,184, G>A on the plus strand (C>T on the coding strand, the complement: POLR1A is on the minus strand). VCF-style: chr2-86054184-G-A. GRCh37 (hg19) VCF-style: chr2-86281307-G-A.
Other names: short protein forms R722*.
Identifiers: ClinVar variation 4688021 (VCV004688021.1), dbSNP rs768779433.
Genomic context (GRCh38, chr2:86,054,184, plus strand): 5'-AGCTGGACAGCCATACCTGGGACTCGCACATCGAGTCAGGGTTAAAGCCAGGAACGGATC[G>A]AGGAGTTTCCTTCACCCAGGCTTTCCCAGTGATTTTCGCCTTTCCAGATAAGTTCAGTGG-3'

ClinVar aggregate classification (germline): Likely pathogenic (1 of 4 stars; one submission).

Conditions:
Acrofacial dysostosis Cincinnati type. Identifiers: Orphanet 1200, MedGen C4225317, MONDO:0014651, OMIM 616462.

gnomAD v4.1: 1 of 1,613,990 alleles (0.000062%); highest among the groups gnomAD compares: Non-Finnish European, 0.000085%; no homozygotes.

Submission:

Human Genetics Bochum, Ruhr University Bochum
Classification: Likely pathogenic for Acrofacial dysostosis Cincinnati type. Last evaluated: 2025-01-28. Review status: criteria provided, single submitter. Criteria: ACMG Guidelines, 2015. Collection method: clinical testing. Allele origin: germline. Affected: yes.
Comment: ACMG criteria used to clasify this variant: PVS1, PM2_SUP